The following is an entry in ClinVar:

ClinVar aggregate classification (germline): Uncertain significance. Review status: criteria provided, multiple submitters, no conflicts (2 of 4 stars). 2 submissions from 2 submitters: Uncertain significance (2). Last evaluated 2023-08-17.

Conditions:
Inborn genetic diseases. Identifiers: MedGen C0950123, MeSH D030342.
Spastic paraplegia. Identifiers: MedGen C0037772, HP:0001258.

Allele frequency attached by ClinVar (database versions not stated): gnomAD 0.00001.
gnomAD v4.1: 27 of 1,429,604 alleles (0.0019%); highest among the groups gnomAD compares: Admixed American, 0.01%; no homozygotes.

Submissions (2):

Labcorp Genetics (formerly Invitae), Labcorp
Classification: Uncertain significance for Spastic paraplegia. Last evaluated: 2023-08-17. Review status: criteria provided, single submitter. Criteria: Invitae Variant Classification Sherloc (09022015). Collection method: clinical testing. Allele origin: germline.
Comment: ClinVar contains an entry for this variant (Variation ID: 1362059). This sequence change replaces histidine, which is basic and polar, with glutamine, which is neutral and polar, at codon 346 of the GJC2 protein (p.His346Gln). This variant is not present in population databases (gnomAD no frequency). This variant has not been reported in the literature in individuals affected with GJC2-related conditions. Algorithms developed to predict the effect of missense changes on protein structure and function output the following: SIFT: "Not Available"; PolyPhen-2: "Benign"; Align-GVGD: "Not Available". The glutamine amino acid residue is found in multiple mammalian species, which suggests that this missense change does not adversely affect protein function. In summary, the available evidence is currently insufficient to determine the role of this variant in disease. Therefore, it has been classified as a Variant of Uncertain Significance.

Ambry Genetics
Classification: Uncertain significance for Inborn genetic diseases. Last evaluated: 2022-08-01. Review status: criteria provided, single submitter. Criteria: Ambry Variant Classification Scheme 2023. Collection method: clinical testing. Allele origin: germline.

NM_020435.4(GJC2):c.1038T>A (p.His346Gln)

Gene: GJC2 (gap junction protein gamma 2; plus strand). Cytogenetic location: 1q42.13.
Variant type: single nucleotide variant.
Coding change: c.1038T>A on transcript NM_020435.4 (MANE Select); coding-DNA position 1038, T replaced by A.
Protein change: p.His346Gln; replaces histidine 346 with glutamine.
Molecular consequence: missense variant.
Genome position (GRCh38, 1-based): chr1:228,158,796, T>A. VCF-style: chr1-228158796-T-A. GRCh37 (hg19) VCF-style: chr1-228346497-T-A.
Other names: c.1038T>A (NM_020435.3); short protein forms H346Q.
Identifiers: ClinVar variation 1362059 (VCV001362059.9), dbSNP rs559021726, ClinGen allele CA38728265.